The following is an entry in ClinVar:

ClinVar aggregate classification (germline): Uncertain significance. Review status: criteria provided, multiple submitters, no conflicts (2 of 4 stars). 3 submissions from 3 submitters: Uncertain significance (3). Last evaluated 2025-11-17.

Conditions:
Inborn genetic diseases. Identifiers: MedGen C0950123, MeSH D030342.

Allele frequency attached by ClinVar (database versions not stated): ExAC 0.00002; gnomAD 0.00004; TOPMed 0.00006; ESP Exome Variant Server 0.00008.
gnomAD v4.1: 7 of 1,614,068 alleles (0.00043%); highest among the groups gnomAD compares: African/African-American, 0.008%; no homozygotes.

Submissions (3):

Labcorp Genetics (formerly Invitae), Labcorp
Classification: Uncertain significance. Last evaluated: 2025-11-17. Review status: criteria provided, single submitter. Criteria: Invitae Variant Classification Sherloc (09022015). Collection method: clinical testing. Allele origin: germline.
Comment: This sequence change replaces threonine, which is neutral and polar, with alanine, which is neutral and non-polar, at codon 748 of the IGF1R protein (p.Thr748Ala). This variant is present in population databases (rs147969557, gnomAD 0.01%). This variant has not been reported in the literature in individuals affected with IGF1R-related conditions. ClinVar contains an entry for this variant (Variation ID: 3252570). Invitae Evidence Modeling of protein sequence and biophysical properties (such as structural, functional, and spatial information, amino acid conservation, physicochemical variation, residue mobility, and thermodynamic stability) indicates that this missense variant is not expected to disrupt IGF1R protein function with a negative predictive value of 80%. In summary, the available evidence is currently insufficient to determine the role of this variant in disease. Therefore, it has been classified as a Variant of Uncertain Significance.

Ambry Genetics
Classification: Uncertain significance for Inborn genetic diseases. Last evaluated: 2025-11-13. Review status: criteria provided, single submitter. Criteria: Ambry Variant Classification Scheme 2023. Collection method: clinical testing. Allele origin: germline.

GeneDx
Classification: Uncertain significance. Last evaluated: 2024-02-21. Review status: criteria provided, single submitter. Criteria: GeneDx Variant Classification Process June 2021. Collection method: clinical testing. Allele origin: germline. Affected: yes.
Comment: In silico analysis supports that this missense variant does not alter protein structure/function; Has not been previously published as pathogenic or benign to our knowledge

NM_000875.5(IGF1R):c.2242A>G (p.Thr748Ala)

Gene: IGF1R (insulin like growth factor 1 receptor; plus strand). Cytogenetic location: 15q26.3.
Variant type: single nucleotide variant.
Coding change: c.2242A>G on transcript NM_000875.5 (MANE Select); coding-DNA position 2242, A replaced by G.
Protein change: p.Thr748Ala; replaces threonine 748 with alanine.
Molecular consequence: missense variant.
Genome position (GRCh38, 1-based): chr15:98,922,188, A>G. VCF-style: chr15-98922188-A-G. GRCh37 (hg19) VCF-style: chr15-99465417-A-G.
Other names: c.2242A>G, p.Thr748Ala (NM_001291858.2); short protein forms T748A.
Identifiers: ClinVar variation 3252570 (VCV003252570.3), dbSNP rs147969557.
Genomic context (GRCh38, chr15:98,922,188, plus strand): 5'-CATTTCTCTCCTCCTTGCAGACCTGAAAGGAAGCGGAGAGATGTCATGCAAGTGGCCAAC[A>G]CCACCATGTCCAGCCGAAGCAGGAACACCACGGCCGCAGACACCTACAACATCACCGACC-3'
Protein context (NP_000866.1, residues 738-758): KRRDVMQVAN[Thr748Ala]TMSSRSRNTT